The following is an entry in ClinVar:

ClinVar aggregate classification (germline): Likely pathogenic (1 of 4 stars; one submission).

Conditions:
Nemaline myopathy 2 (NEM2). Also called: Nemaline myopathy 2, autosomal recessive. Identifiers: MedGen C1850569, MONDO:0009725, OMIM 256030.

Submission:

Myriad Genetics, Inc.
Classification: Likely pathogenic for Nemaline myopathy 2. Last evaluated: 2022-03-31. Review status: criteria provided, single submitter. Criteria: Myriad Women's Health Autosomal Recessive and X-Linked Classification Criteria (2021). Collection method: clinical testing. Allele origin: unknown.
Comment: NM_001271208.1(NEB):c.3330delA(K1110Nfs*6) is expected to be pathogenic in the context of NEB-related nemaline myopathy. This variant is predicted to lead to an abnormal or absent protein product due to the creation of a premature termination codon in NEB, a gene where loss-of-function variants are known to be pathogenic. Please note: this variant was assessed in the context of healthy population screening.

NM_001164508.2(NEB):c.3330del (p.Lys1110fs)

Gene: NEB (nebulin; minus strand). Cytogenetic location: 2q23.3.
Variant type: Deletion.
Coding change: c.3330del on transcript NM_001164508.2 (MANE Select); coding-DNA position 3330, one base deleted (A; older notation c.3330delA).
Protein change: p.Lys1110fs; shifts the reading frame from lysine 1110.
Molecular consequence: frameshift variant.
Genome position (GRCh38, 1-based): chr2:151,678,113, T deleted on the plus strand (A on the coding strand, the reverse complement: NEB is on the minus strand); the first of 3 consecutive T bases (chr2:151,678,113-151,678,115); deleting any one gives the same sequence. VCF-style (leftmost placement, unchanged base first): chr2-151678112-GT-G. GRCh37 (hg19) VCF-style: chr2-152534626-GT-G.
Other names: c.3330del, p.Lys1110fs (NM_001164507.2, NM_001271208.2, NM_004543.5); short protein forms K1110fs.
Identifiers: ClinVar variation 1726345 (VCV001726345.2), dbSNP rs2552262735, ClinGen allele CA2580064150.
Genomic context (GRCh38, chr2:151,678,112, plus strand): 5'-CATAGTCTTTTTTATACTCCCGATCTGATTGTATCTTGGCCACGTTCATATAATGAACCA[GT>G]TTAGGGTCATCTTGAAGACTTTGGAAGCCAACCATTTTCCCTTTAGCCTTTTCATAGTCT-3'